The following is an entry in ClinVar:

ClinVar aggregate classification (germline): Likely benign. Review status: criteria provided, multiple submitters, no conflicts (2 of 4 stars). 3 submissions from 3 submitters: Likely benign (3). Last evaluated 2025-01-01.

Conditions:
Charcot-Marie-Tooth disease type 2. Also called: Charcot-Marie-Tooth type 2. Identifiers: Orphanet 64746, MedGen C0270914, MONDO:0018993.

Allele frequency attached by ClinVar (database versions not stated): ExAC 0.00001.

Submissions (3):

CeGaT Center for Human Genetics Tuebingen
Classification: Likely benign. Last evaluated: 2025-01-01. Review status: criteria provided, single submitter. Criteria: CeGaT Center For Human Genetics Tuebingen Variant Classification Criteria Version 2. Collection method: clinical testing. Allele origin: germline. Affected: yes. Observed: 1 variant allele.
Comment: KIF1B: PM2:Supporting, BP4, BP7

Labcorp Genetics (formerly Invitae), Labcorp
Classification: Likely benign for Charcot-Marie-Tooth disease type 2. Last evaluated: 2022-03-30. Review status: criteria provided, single submitter. Criteria: Invitae Variant Classification Sherloc (09022015). Collection method: clinical testing. Allele origin: germline.

Ambry Genetics
Classification: Likely benign. Last evaluated: 2022-02-28. Review status: criteria provided, single submitter. Criteria: Ambry Variant Classification Scheme 2023. Collection method: clinical testing. Allele origin: germline.

NM_001365951.3(KIF1B):c.4029C>T (p.Tyr1343=)

Gene: KIF1B (kinesin family member 1B; plus strand). Cytogenetic location: 1p36.22.
Variant type: single nucleotide variant.
Coding change: c.4029C>T on transcript NM_001365951.3 (MANE Select); coding-DNA position 4029, C replaced by T.
Protein change: p.Tyr1343=; no amino-acid change (tyrosine 1343 retained).
Molecular consequence: synonymous variant.
Genome position (GRCh38, 1-based): chr1:10,352,710, C>T. VCF-style: chr1-10352710-C-T. GRCh37 (hg19) VCF-style: chr1-10412768-C-T.
Other names: c.4029C>T, p.Tyr1343= (NM_001365952.1); c.3891C>T, p.Tyr1297= (NM_015074.3).
Identifiers: ClinVar variation 1735902 (VCV001735902.20), dbSNP rs749173046, ClinGen allele CA581962.